The following is an entry in ClinVar:

NM_001182.5(ALDH7A1):c.860A>G (p.Gln287Arg)

Gene: ALDH7A1 (aldehyde dehydrogenase 7 family member A1; minus strand). Cytogenetic location: 5q23.2.
Variant type: single nucleotide variant.
Coding change: c.860A>G on transcript NM_001182.5 (MANE Select); coding-DNA position 860, A replaced by G.
Protein change: p.Gln287Arg; replaces glutamine 287 with arginine.
Molecular consequence: missense variant.
Genome position (GRCh38, 1-based): chr5:126,568,270, T>C on the plus strand (A>G on the coding strand, the complement: ALDH7A1 is on the minus strand). VCF-style: chr5-126568270-T-C. GRCh37 (hg19) VCF-style: chr5-125903962-T-C.
Other names: p.Q287R:CAG>CGG; c.776A>G, p.Gln259Arg (NM_001201377.2); c.860A>G, p.Gln287Arg (NM_001202404.2); short protein forms Q287R, Q259R.
Identifiers: ClinVar variation 204839 (VCV000204839.50), dbSNP rs796052261, ClinGen allele CA313185.

ClinVar aggregate classification (germline): Uncertain significance. Review status: criteria provided, multiple submitters, no conflicts (2 of 4 stars). 6 submissions from 6 submitters: Uncertain significance (6). Last evaluated 2024-09-09.

Conditions:
Pyridoxine-dependent epilepsy (EPEO4). Also called: Pyridoxine-Dependent Seizures; PYRIDOXINE DEPENDENCY WITH SEIZURES; Pyridoxine-Dependent Epilepsy - ALDH7A1; EPILEPSY, EARLY-ONSET, 4, VITAMIN B6-DEPENDENT. Identifiers: Orphanet 3006, MedGen C1849508, MONDO:0009945, OMIM 266100. Disease mechanism: loss of function.

Allele frequency attached by ClinVar (database versions not stated): gnomAD exomes below 0.00001 and 0.00001; gnomAD 0.00001; TOPMed 0.00002.
gnomAD v4.1: 24 of 1,614,012 alleles (0.0015%); highest among the groups gnomAD compares: Middle Eastern, 0.033%; no homozygotes.

Submissions (6):

Blueprint Genetics
Classification: Uncertain significance. Last evaluated: 2024-09-09. Review status: criteria provided, single submitter. Criteria: ACMG Guidelines, 2015. Collection method: clinical testing. Allele origin: germline.

Genome-Nilou Lab
Classification: Uncertain significance for Pyridoxine-dependent epilepsy. Last evaluated: 2023-04-11. Review status: criteria provided, single submitter. Criteria: ACMG Guidelines, 2015. Collection method: clinical testing. Allele origin: germline. Affected: no.

Labcorp Genetics (formerly Invitae), Labcorp
Classification: Uncertain significance for Pyridoxine-dependent epilepsy. Last evaluated: 2022-08-16. Review status: criteria provided, single submitter. Criteria: Invitae Variant Classification Sherloc (09022015). Collection method: clinical testing. Allele origin: germline.
Comment: This sequence change replaces glutamine, which is neutral and polar, with arginine, which is basic and polar, at codon 287 of the ALDH7A1 protein (p.Gln287Arg). This variant is present in population databases (rs796052261, gnomAD no frequency). This variant has not been reported in the literature in individuals affected with ALDH7A1-related conditions. ClinVar contains an entry for this variant (Variation ID: 204839). Advanced modeling of protein sequence and biophysical properties (such as structural, functional, and spatial information, amino acid conservation, physicochemical variation, residue mobility, and thermodynamic stability) performed at Invitae indicates that this missense variant is expected to disrupt ALDH7A1 protein function. In summary, the available evidence is currently insufficient to determine the role of this variant in disease. Therefore, it has been classified as a Variant of Uncertain Significance.

GeneDx
Classification: Uncertain significance. Last evaluated: 2020-11-19. Review status: criteria provided, single submitter. Criteria: GeneDx Variant Classification Process June 2021. Collection method: clinical testing. Allele origin: germline. Affected: yes.
Comment: Not observed at a significant frequency in large population cohorts (Lek et al., 2016); In silico analysis supports that this missense variant has a deleterious effect on protein structure/function; Missense variants in nearby residues reported in the Human Gene Mutation Database and published literature (Stenson et al., 2014; Korasick et al., 2017; Plecko et al., 2007); Has not been previously published as pathogenic or benign to our knowledge

Fulgent Genetics
Classification: Uncertain significance for Pyridoxine-dependent epilepsy. Last evaluated: 2018-10-31. Review status: criteria provided, single submitter. Criteria: ACMG Guidelines, 2015. Collection method: clinical testing. Allele origin: unknown.

CeGaT Center for Human Genetics Tuebingen
Classification: Uncertain significance. Last evaluated: 2017-07-01. Review status: criteria provided, single submitter. Criteria: CeGaT Center For Human Genetics Tuebingen Variant Classification Criteria Version 2. Collection method: clinical testing. Allele origin: germline. Affected: yes. Observed: 1 variant allele.